The following is an entry in ClinVar:

ClinVar aggregate classification (germline): Uncertain significance (1 of 4 stars; one submission).

Allele frequency attached by ClinVar (database versions not stated): ESP Exome Variant Server 0.00008.
gnomAD v4.1: 29 of 1,613,856 alleles (0.0018%); highest among the groups gnomAD compares: African/African-American, 0.004%; no homozygotes.

Submissions (2):

Labcorp Genetics (formerly Invitae), Labcorp
Classification: Uncertain significance. Last evaluated: 2025-02-27. Review status: criteria provided, single submitter. Criteria: Invitae Variant Classification Sherloc (09022015). Collection method: clinical testing. Allele origin: germline.
Comment: This sequence change replaces arginine, which is basic and polar, with tryptophan, which is neutral and slightly polar, at codon 1209 of the DSCAML1 protein (p.Arg1209Trp). This variant is present in population databases (rs373841969, gnomAD 0.005%). This variant has not been reported in the literature in individuals affected with DSCAML1-related conditions. ClinVar contains an entry for this variant (Variation ID: 2415903). An algorithm developed to predict the effect of missense changes on protein structure and function (PolyPhen-2) suggests that this variant is likely to be disruptive. In summary, the available evidence is currently insufficient to determine the role of this variant in disease. Therefore, it has been classified as a Variant of Uncertain Significance.

Dr. Peter K. Rogan Lab, Western University
No classification provided (evidence only). Condition: Malignant tumor of urinary bladder. Review status: no classification provided. Collection method: in vitro. Allele origin: not applicable. Functional consequence: retained intron. Not counted in ClinVar's aggregate classification.

NM_020693.4(DSCAML1):c.3445C>T (p.Arg1149Trp)

Gene: DSCAML1 (DS cell adhesion molecule like 1; minus strand). Cytogenetic location: 11q23.3.
Variant type: single nucleotide variant.
Coding change: c.3445C>T on transcript NM_020693.4 (MANE Select); coding-DNA position 3445, C replaced by T.
Protein change: p.Arg1149Trp; replaces arginine 1149 with tryptophan.
Molecular consequence: missense variant.
Genome position (GRCh38, 1-based): chr11:117,458,877, G>A on the plus strand (C>T on the coding strand, the complement: DSCAML1 is on the minus strand). VCF-style: chr11-117458877-G-A. GRCh37 (hg19) VCF-style: chr11-117329593-G-A.
Other names: short protein forms R1149W.
Identifiers: ClinVar variation 2415903 (VCV002415903.7), dbSNP rs373841969, ClinGen allele CA6296679.
Genomic context (GRCh38, chr11:117,458,877, plus strand): 5'-CCAGCACCTGGACGCTGTAGTTGGTGAACTTCTCCATGCCCCGCAGCTCCACCCGCTCCC[G>A]CGTGGTGGTGATGTTCTGCATCTCGCCCCACTCTGCCAGAGACCAGCAAACTCTGAGGAC-3'
Protein context (NP_065744.3, residues 1139-1159): WGEMQNITTT[Arg1149Trp]ERVELRGMEK